The following is an entry in ClinVar:

ClinVar aggregate classification (germline): Likely pathogenic (1 of 4 stars; one submission).

Conditions:
Cortical dysplasia-focal epilepsy syndrome (PTHSL1). Also called: Pitt-Hopkins-like syndrome 1. Identifiers: Orphanet 163681, Orphanet 221150, MedGen C2750246, MONDO:0012400, OMIM 610042.

gnomAD v4.1: 2 of 1,614,158 alleles (0.00012%); highest among the groups gnomAD compares: Admixed American, 0.0017%; no homozygotes.

Submission:

Labcorp Genetics (formerly Invitae), Labcorp
Classification: Likely pathogenic for Cortical dysplasia-focal epilepsy syndrome. Last evaluated: 2025-03-10. Review status: criteria provided, single submitter. Criteria: Invitae Variant Classification Sherloc (09022015). Collection method: clinical testing. Allele origin: germline.
Comment: This sequence change affects an acceptor splice site in intron 19 of the CNTNAP2 gene. It is expected to disrupt RNA splicing. Variants that disrupt the donor or acceptor splice site typically lead to a loss of protein function (PMID: 16199547), and loss-of-function variants in CNTNAP2 are known to be pathogenic (PMID: 19896112, 21827697, 25045150, 26843181, 27439707). This variant is present in population databases (no rsID available, gnomAD 0.003%). This variant has not been reported in the literature in individuals affected with CNTNAP2-related conditions. Algorithms developed to predict the effect of sequence changes on RNA splicing suggest that this variant may disrupt the consensus splice site. In summary, the currently available evidence indicates that the variant is pathogenic, but additional data are needed to prove that conclusively. Therefore, this variant has been classified as Likely Pathogenic.

Literature cited by the submitters: PubMed 16199547; PubMed 19896112; PubMed 21827697; PubMed 25045150; PubMed 26843181; PubMed 27439707.

NM_014141.6(CNTNAP2):c.3248-2A>G

Gene: CNTNAP2 (contactin associated protein 2; plus strand). Cytogenetic location: 7q36.1.
Variant type: single nucleotide variant.
Coding change: c.3248-2A>G on transcript NM_014141.6 (MANE Select); the canonical splice acceptor site of the intron before coding-DNA position 3248, A replaced by G.
Molecular consequence: splice acceptor variant.
Genome position (GRCh38, 1-based): chr7:148,229,644, A>G. VCF-style: chr7-148229644-A-G. GRCh37 (hg19) VCF-style: chr7-147926736-A-G.
Identifiers: ClinVar variation 4713318 (VCV004713318.1).